The following is an entry in ClinVar:

ClinVar aggregate classification (germline): Benign/Likely benign. Review status: criteria provided, multiple submitters, no conflicts (2 of 4 stars). 6 submissions from 6 submitters: Benign (1); Likely benign (5). Last evaluated 2026-01-04.

Conditions:
Juvenile polyposis syndrome (JPS). Identifiers: Orphanet 2929, MedGen C0345893, MONDO:0017380, OMIM 174900.
Hereditary cancer-predisposing syndrome. Also called: Hereditary neoplastic syndrome; Tumor predisposition; Neoplastic Syndromes, Hereditary; Hereditary Cancer Syndrome. Identifiers: Orphanet 140162, MedGen C0027672, MeSH D009386, MONDO:0015356.

Allele frequency attached by ClinVar (database versions not stated): gnomAD 0.00001.

Submissions (6):

Labcorp Genetics (formerly Invitae), Labcorp
Classification: Likely benign for Juvenile polyposis syndrome. Last evaluated: 2026-01-04. Review status: criteria provided, single submitter. Criteria: Invitae Variant Classification Sherloc (09022015). Collection method: clinical testing. Allele origin: germline.

Myriad Genetics, Inc.
Classification: Benign for Juvenile polyposis syndrome. Last evaluated: 2024-08-07. Review status: criteria provided, single submitter. Criteria: Myriad Autosomal Dominant, Autosomal Recessive and X-Linked Classification Criteria (2023). Collection method: clinical testing. Allele origin: unknown.
Comment: This variant is considered benign. This variant is a silent/synonymous amino acid change and it is not expected to impact splicing.

All of Us Research Program, National Institutes of Health
Classification: Likely benign for Juvenile polyposis syndrome. Last evaluated: 2023-11-30. Review status: criteria provided, single submitter. Criteria: ACMG Guidelines, 2015. Collection method: clinical testing. Allele origin: germline. Inheritance: Autosomal dominant inheritance. Observed: 2 variant alleles, 2 heterozygotes.
Comment: This study involves interpretation of variants in research participants for the purpose of population health screening. Participant phenotype was not available at the time of variant classification. Additional details can be found in publication PMID: 35346344, PMCID: PMC8962531

Color Diagnostics, LLC DBA Color Health
Classification: Likely benign for Hereditary cancer-predisposing syndrome. Last evaluated: 2019-12-03. Review status: criteria provided, single submitter. Criteria: ACMG Guidelines, 2015. Collection method: clinical testing. Allele origin: germline.

GeneDx
Classification: Likely benign. Last evaluated: 2017-05-03. Review status: criteria provided, single submitter. Criteria: GeneDx Variant Classification (06012015). Collection method: clinical testing. Allele origin: germline. Affected: yes.
Comment: This variant is considered likely benign or benign based on one or more of the following criteria: it is a conservative change, it occurs at a poorly conserved position in the protein, it is predicted to be benign by multiple in silico algorithms, and/or has population frequency not consistent with disease.

Ambry Genetics
Classification: Likely benign for Hereditary cancer-predisposing syndrome. Last evaluated: 2017-03-10. Review status: criteria provided, single submitter. Criteria: Ambry Variant Classification Scheme 2023. Collection method: clinical testing. Allele origin: germline.

NM_004329.3(BMPR1A):c.1347C>T (p.Ile449=)

Gene: BMPR1A (bone morphogenetic protein receptor type 1A; plus strand). Cytogenetic location: 10q23.2.
Variant type: single nucleotide variant.
Coding change: c.1347C>T on transcript NM_004329.3 (MANE Select); coding-DNA position 1347, C replaced by T.
Protein change: p.Ile449=; no amino-acid change (isoleucine 449 retained).
Molecular consequence: synonymous variant.
Genome position (GRCh38, 1-based): chr10:86,923,380, C>T. VCF-style: chr10-86923380-C-T. GRCh37 (hg19) VCF-style: chr10-88683137-C-T.
Identifiers: ClinVar variation 381114 (VCV000381114.20), dbSNP rs1057520966, ClinGen allele CA16605716.